The following is an entry in ClinVar:

NM_033380.3(COL4A5):c.3311G>A (p.Gly1104Asp)

Gene: COL4A5 (collagen type IV alpha 5 chain; plus strand). Cytogenetic location: Xq22.3.
Variant type: single nucleotide variant.
Coding change: c.3311G>A on transcript NM_033380.3 (MANE Select); coding-DNA position 3311, G replaced by A.
Protein change: p.Gly1104Asp; replaces glycine 1104 with aspartic acid.
Molecular consequence: missense variant.
Genome position (GRCh38, 1-based): chrX:108,655,395, G>A. VCF-style: chrX-108655395-G-A. GRCh37 (hg19) VCF-style: chrX-107898625-G-A.
Other names: c.3311G>A, p.Gly1104Asp (NM_000495.5); short protein forms G1104D.
Identifiers: ClinVar variation 1077057 (VCV001077057.3), dbSNP rs104886224, ClinGen allele CA413857427.
Genomic context (GRCh38, chrX:108,655,395, plus strand): 5'-AGCCTGGTCTGCCTGGATACCCAGGGAACCCTGGTATCAAAGGTTCTGTGGGAGATCCTG[G>A]TTTGCCCGGATTACCAGGAACCCCTGGAGCAAAAGGACAACCAGGCCTTCCTGGATTCCC-3'
Protein context (NP_203699.1, residues 1094-1114): PGIKGSVGDP[Gly1104Asp]LPGLPGTPGA

ClinVar aggregate classification (germline): Likely pathogenic. Review status: criteria provided, multiple submitters, no conflicts (2 of 4 stars). 2 submissions from 2 submitters: Likely pathogenic (2).

Conditions:
X-linked Alport syndrome (ATS1). Also called: COL4A5-Related Nephropathy; NEPHROPATHY AND DEAFNESS, X-LINKED. Identifiers: Orphanet 63, Orphanet 88917, MedGen C4746986, MONDO:0010520, OMIM 301050.

Submissions (2):

Precision Medicine Center, Zhengzhou University
Classification: Likely pathogenic for X-linked Alport syndrome. Review status: criteria provided, single submitter. Criteria: ACMG Guidelines, 2015. Collection method: research. Allele origin: germline. Affected: yes.
Comment: PM1:Located in a mutational hot spot PM2:not found in gnomAD PM5:Novel missense change at an amino acid residue where a different missense change determined to be pathogenic has been seen before PP3:Multiple lines of computational evidence support a deleterious effect on the gene or gene product

Suma Genomics
Classification: Likely pathogenic for X-linked Alport syndrome. Review status: criteria provided, single submitter. Criteria: ACMG Guidelines, 2015. Collection method: clinical testing. Allele origin: germline. Inheritance: X-linked inheritance. Affected: yes. Observed: 1 hemizygote.